The following is an entry in ClinVar:

ClinVar aggregate classification (germline): Benign/Likely benign. Review status: criteria provided, multiple submitters, no conflicts (2 of 4 stars). 3 submissions from 3 submitters: Benign (1); Likely benign (2). Last evaluated 2026-08-01.

Conditions:
Inborn genetic diseases. Identifiers: MedGen C0950123, MeSH D030342.

Submissions (3):

CeGaT Center for Human Genetics Tuebingen
Classification: Likely benign. Last evaluated: 2026-08-01. Review status: criteria provided, single submitter. Criteria: CeGaT Center For Human Genetics Tuebingen Variant Classification Criteria Version 2. Collection method: clinical testing. Allele origin: germline. Affected: yes. Observed: 9 variant alleles.
Comment: FBXO11: BS1

Labcorp Genetics (formerly Invitae), Labcorp
Classification: Benign. Last evaluated: 2026-02-03. Review status: criteria provided, single submitter. Criteria: Invitae Variant Classification Sherloc (09022015). Collection method: clinical testing. Allele origin: germline.

Ambry Genetics
Classification: Likely benign for Inborn genetic diseases. Last evaluated: 2021-10-12. Review status: criteria provided, single submitter. Criteria: Ambry Variant Classification Scheme 2023. Collection method: clinical testing. Allele origin: germline.

NM_001190274.2(FBXO11):c.68AGC[5] (p.Gln26dup)

Genes: FBXO11 (F-box protein 11; minus strand), LOC100506235 (uncharacterized LOC100506235; plus strand). Cytogenetic location: 2p16.3.
Variant type: Microsatellite.
Coding change: c.68AGC[5] on transcript NM_001190274.2 (MANE Select); five copies in a row of the 3-base unit AGC starting at c.68; the reference has four copies in a row; one copy, 3 bases duplicated.
Protein change: p.Gln26dup; duplicates glutamine 26.
Molecular consequence: inframe insertion.
Genome position (GRCh38, 1-based): chr2:47,905,642-47,905,644, GCT duplicated on the plus strand (AGC on the coding strand, the reverse complement: FBXO11 is on the minus strand); duplicating any 3 consecutive bases within chr2:47,905,642-47,905,654 gives the same sequence; the position shown is the placement nearest the transcript's 3' end. VCF-style (leftmost placement, unchanged base first): chr2-47905641-G-GGCT. GRCh37 (hg19) VCF-style: chr2-48132780-G-GGCT.
Other names: c.77_79dupAGC (NM_001190274.1).
Identifiers: ClinVar variation 1167516 (VCV001167516.15), dbSNP rs771605473, ClinGen allele CA1650253.